The following is an entry in ClinVar:

ClinVar aggregate classification (germline): Uncertain significance (1 of 4 stars; one submission).

Allele frequency attached by ClinVar (database versions not stated): gnomAD 0.00001; 1000 Genomes Project 30x 0.00016; ExAC 0.00005.
gnomAD v4.1: 4 of 1,088,482 alleles (0.00037%); highest among the groups gnomAD compares: Admixed American, 0.012%; no homozygotes.

Submission:

Ambry Genetics
Classification: Uncertain significance. Last evaluated: 2026-06-29. Review status: criteria provided, single submitter. Criteria: Ambry Variant Classification Scheme 2023. Collection method: clinical testing. Allele origin: germline.
Comment: The c.68C>T (p.P23L) alteration is located in exon 1 (coding exon 1) of the PRDM15 gene. This alteration results from a C to T substitution at nucleotide position 68, causing the proline (P) at amino acid position 23 to be replaced by a leucine (L). Based on data from gnomAD, the T allele has an overall frequency of 0.003% (3/109284) total alleles studied. The highest observed frequency was 0.022% (2/9140) of Latino alleles. Based on insufficient or conflicting evidence, the clinical significance of this alteration remains unclear.

NM_001040424.3(PRDM15):c.-44C>T

Gene: PRDM15 (PR/SET domain 15; minus strand). Cytogenetic location: 21q22.3.
Variant type: single nucleotide variant.
Coding change: c.-44C>T on transcript NM_001040424.3 (MANE Select); 44 bases upstream of the start codon, C replaced by T.
Molecular consequence: 5 prime UTR variant. On other transcripts: non-coding transcript variant (3).
Genome position (GRCh38, 1-based): chr21:41,879,304, G>A on the plus strand (C>T on the coding strand, the complement: PRDM15 is on the minus strand). VCF-style: chr21-41879304-G-A. GRCh37 (hg19) VCF-style: chr21-43299413-G-A.
Other names: c.-44C>T (NM_001282934.2); c.-833C>T (NM_022115.7).
Identifiers: ClinVar variation 2546508 (VCV002546508.3), dbSNP rs756909415, ClinGen allele CA10037590.